The following is an entry in ClinVar:

ClinVar aggregate classification (germline): Uncertain significance (1 of 4 stars; one submission).

Submission:

GeneDx
Classification: Uncertain significance. Last evaluated: 2026-02-06. Review status: criteria provided, single submitter. Criteria: GeneDx Variant Classification Process June 2021. Collection method: clinical testing. Allele origin: germline.
Comment: Not observed at significant frequency in large population cohorts (gnomAD); Frameshift variant predicted to result in abnormal protein length as the last 34 amino acids are replaced with 19 different amino acids; Has not been previously published as pathogenic or benign to our knowledge

NM_197968.4(ZMYM2):c.4030_4037del (p.Thr1344fs)

Gene: ZMYM2 (zinc finger MYM-type containing 2; plus strand). Cytogenetic location: 13q12.11.
Variant type: Deletion.
Coding change: c.4030_4037del on transcript NM_197968.4 (MANE Select); coding-DNA positions 4030 to 4037, 8 bases deleted (ACTTCACT; older notation c.4030_4037delACTTCACT).
Protein change: p.Thr1344fs; shifts the reading frame from threonine 1344.
Molecular consequence: frameshift variant. On other transcripts: non-coding transcript variant (1).
Genome position (GRCh38, 1-based): chr13:20,085,910-20,085,917, ACTTCACT deleted; deleting any 8 consecutive bases within chr13:20,085,908-20,085,917 gives the same sequence; the c. name uses the placement nearest the transcript's 3' end. VCF-style (leftmost placement, unchanged base first): chr13-20085907-TCTACTTCA-T. GRCh37 (hg19) VCF-style: chr13-20660047-TCTACTTCA-T.
Other names: c.4030_4037del, p.Thr1344fs (NM_001190964.4, NM_001190965.4, NM_001353157.2 and 4 more transcripts); c.3835_3842del, p.Thr1279fs (NM_001353161.3); c.3769_3776del, p.Thr1257fs (NM_001353163.2); short protein forms T1257fs, T1279fs, T1344fs.
Identifiers: ClinVar variation 3370260 (VCV003370260.2).